The following is an entry in ClinVar:

NM_032816.5(CEP89):c.871G>A (p.Ala291Thr)

Gene: CEP89 (centrosomal protein 89; minus strand). Cytogenetic location: 19q13.11.
Variant type: single nucleotide variant.
Coding change: c.871G>A on transcript NM_032816.5 (MANE Select); coding-DNA position 871, G replaced by A.
Protein change: p.Ala291Thr; replaces alanine 291 with threonine.
Molecular consequence: missense variant.
Genome position (GRCh38, 1-based): chr19:32,933,466, C>T on the plus strand (G>A on the coding strand, the complement: CEP89 is on the minus strand). VCF-style: chr19-32933466-C-T. GRCh37 (hg19) VCF-style: chr19-33424372-C-T.
Other names: short protein forms A291T.
Identifiers: ClinVar variation 2406280 (VCV002406280.3), dbSNP rs759305087, ClinGen allele CA9359501.

ClinVar aggregate classification (germline): Uncertain significance. Review status: criteria provided, multiple submitters, no conflicts (2 of 4 stars). 2 submissions from 2 submitters: Uncertain significance (2). Last evaluated 2025-11-26.

Allele frequency attached by ClinVar (database versions not stated): gnomAD 0.00001; ExAC 0.00002.
gnomAD v4.1: 4 of 1,613,644 alleles (0.00025%); highest among the groups gnomAD compares: Admixed American, 0.0067%; no homozygotes.

Submissions (2):

Labcorp Genetics (formerly Invitae), Labcorp
Classification: Uncertain significance. Last evaluated: 2025-11-26. Review status: criteria provided, single submitter. Criteria: Invitae Variant Classification Sherloc (09022015). Collection method: clinical testing. Allele origin: germline.
Comment: This sequence change replaces alanine, which is neutral and non-polar, with threonine, which is neutral and polar, at codon 291 of the CEP89 protein (p.Ala291Thr). This variant is present in population databases (rs759305087, gnomAD 0.01%). This variant has not been reported in the literature in individuals affected with CEP89-related conditions. ClinVar contains an entry for this variant (Variation ID: 2406280). An algorithm developed to predict the effect of missense changes on protein structure and function outputs the following: PolyPhen-2: "Benign". The threonine amino acid residue is found in multiple mammalian species, which suggests that this missense change does not adversely affect protein function. In summary, the available evidence is currently insufficient to determine the role of this variant in disease. Therefore, it has been classified as a Variant of Uncertain Significance.

Ambry Genetics
Classification: Uncertain significance. Last evaluated: 2022-04-25. Review status: criteria provided, single submitter. Criteria: Ambry Variant Classification Scheme 2023. Collection method: clinical testing. Allele origin: germline.